The following is an entry in ClinVar:

NM_078480.3(PUF60):c.634C>T (p.Gln212Ter)

Gene: PUF60 (poly(U) binding splicing factor 60; minus strand). Cytogenetic location: 8q24.3.
Variant type: single nucleotide variant.
Coding change: c.634C>T on transcript NM_078480.3 (MANE Select); coding-DNA position 634, C replaced by T.
Protein change: p.Gln212Ter; replaces glutamine 212 with a stop codon.
Molecular consequence: nonsense.
Genome position (GRCh38, 1-based): chr8:143,818,045, G>A on the plus strand (C>T on the coding strand, the complement: PUF60 is on the minus strand). VCF-style: chr8-143818045-G-A. GRCh37 (hg19) VCF-style: chr8-144900215-G-A.
Other names: c.505C>T, p.Gln169Ter (NM_001136033.3); c.580C>T, p.Gln194Ter (NM_001271096.2); c.496C>T, p.Gln166Ter (NM_001271097.2); c.631C>T, p.Gln211Ter (NM_001271098.2); c.547C>T, p.Gln183Ter (NM_001271099.2); c.454C>T, p.Gln152Ter (NM_001271100.2); c.745C>T, p.Gln249Ter (NM_001362895.2, NM_001362896.2); c.694C>T, p.Gln232Ter (NM_001362897.2); and 1 more; short protein forms Q152*, Q166*, Q211*, Q169*, Q183*, Q194*, Q195*, Q212*.
Identifiers: ClinVar variation 3572524 (VCV003572524.1).

ClinVar aggregate classification (germline): Pathogenic (1 of 4 stars; one submission).

Submission:

GeneDx
Classification: Pathogenic. Last evaluated: 2024-07-05. Review status: criteria provided, single submitter. Criteria: GeneDx Variant Classification Process June 2021. Collection method: clinical testing. Allele origin: germline. Affected: yes.
Comment: Nonsense variant predicted to result in protein truncation or nonsense mediated decay in a gene for which loss of function is a known mechanism of disease; Not observed at significant frequency in large population cohorts (gnomAD); Has not been previously published as pathogenic or benign to our knowledge